The following is an entry in ClinVar:

NM_003924.4(PHOX2B):c.542A>G (p.Asp181Gly)

Gene: PHOX2B (paired like homeobox 2B; minus strand). Cytogenetic location: 4p13.
Variant type: single nucleotide variant.
Coding change: c.542A>G on transcript NM_003924.4 (MANE Select); coding-DNA position 542, A replaced by G.
Protein change: p.Asp181Gly; replaces aspartic acid 181 with glycine.
Molecular consequence: missense variant.
Genome position (GRCh38, 1-based): chr4:41,746,210, T>C on the plus strand (A>G on the coding strand, the complement: PHOX2B is on the minus strand). VCF-style: chr4-41746210-T-C. GRCh37 (hg19) VCF-style: chr4-41748227-T-C.
Other names: short protein forms D181G.
Identifiers: ClinVar variation 5026605 (VCV005026605.1).

ClinVar aggregate classification (germline): Uncertain significance (1 of 4 stars; one submission).

Conditions:
Hereditary cancer-predisposing syndrome. Also called: Neoplastic Syndromes, Hereditary; Tumor predisposition; Hereditary neoplastic syndrome; Hereditary Cancer Syndrome. Identifiers: Orphanet 140162, MedGen C0027672, MeSH D009386, MONDO:0015356.

Submission:

Ambry Genetics
Classification: Uncertain significance for Hereditary cancer-predisposing syndrome. Last evaluated: 2026-07-07. Review status: criteria provided, single submitter. Criteria: Ambry Variant Classification Scheme 2023. Collection method: clinical testing. Allele origin: germline.
Comment: The p.D181G variant (also known as c.542A>G), located in coding exon 3 of the PHOX2B gene, results from an A to G substitution at nucleotide position 542. The aspartic acid at codon 181 is replaced by glycine, an amino acid with similar properties. This amino acid position is conserved. In addition, the in silico prediction for this alteration is inconclusive. Based on the available evidence, the clinical significance of this variant remains unclear.